The following is an entry in ClinVar:

ClinVar aggregate classification (germline): Uncertain significance. Review status: criteria provided, multiple submitters, no conflicts (2 of 4 stars). 2 submissions from 2 submitters: Uncertain significance (2). Last evaluated 2023-11-09.

Conditions:
HPS3-related disorder. Also called: HPS3-related condition.
Inborn genetic diseases. Identifiers: MedGen C0950123, MeSH D030342.

Allele frequency attached by ClinVar (database versions not stated): ExAC 0.00002.
gnomAD v4.1: 7 of 1,613,938 alleles (0.00043%); highest among the groups gnomAD compares: Non-Finnish European, 0.00059%; no homozygotes.

Submissions (2):

Ambry Genetics
Classification: Uncertain significance for Inborn genetic diseases. Last evaluated: 2023-11-09. Review status: criteria provided, single submitter. Criteria: Ambry Variant Classification Scheme 2023. Collection method: clinical testing. Allele origin: germline.

PreventionGenetics, part of Exact Sciences
Classification: Uncertain significance for HPS3-related condition. Last evaluated: 2023-07-18. Review status: criteria provided, single submitter. Criteria: ACMG Guidelines, 2015. Collection method: clinical testing. Allele origin: germline.
Comment: The HPS3 c.404C>G variant is predicted to result in the amino acid substitution p.Ala135Gly. To our knowledge, this variant has not been reported in the literature. This variant is reported in 0.0035% of alleles in individuals of European (Non-Finnish) descent in gnomAD. At this time, the clinical significance of this variant is uncertain due to the absence of conclusive functional and genetic evidence.

NM_032383.5(HPS3):c.404C>G (p.Ala135Gly)

Gene: HPS3 (HPS3 biogenesis of lysosomal organelles complex 2 subunit 1; plus strand). Cytogenetic location: 3q24.
Variant type: single nucleotide variant.
Coding change: c.404C>G on transcript NM_032383.5 (MANE Select); coding-DNA position 404, C replaced by G.
Protein change: p.Ala135Gly; replaces alanine 135 with glycine.
Molecular consequence: missense variant. On other transcripts: intron variant (1).
Genome position (GRCh38, 1-based): chr3:149,140,190, C>G. VCF-style: chr3-149140190-C-G. GRCh37 (hg19) VCF-style: chr3-148857977-C-G.
Other names: c.218-827C>G (NM_001308258.2); c.404C>G (NM_032383.3); short protein forms A135G.
Identifiers: ClinVar variation 2632152 (VCV002632152.2), dbSNP rs773902711, ClinGen allele CA2659795.